The following is an entry in ClinVar:

NM_001966.4(EHHADH):c.2081C>T (p.Pro694Leu)

Gene: EHHADH (enoyl-CoA hydratase and 3-hydroxyacyl CoA dehydrogenase; minus strand). Cytogenetic location: 3q27.2.
Variant type: single nucleotide variant.
Coding change: c.2081C>T on transcript NM_001966.4 (MANE Select); coding-DNA position 2081, C replaced by T.
Protein change: p.Pro694Leu; replaces proline 694 with leucine.
Molecular consequence: missense variant.
Genome position (GRCh38, 1-based): chr3:185,192,317, G>A on the plus strand (C>T on the coding strand, the complement: EHHADH is on the minus strand). VCF-style: chr3-185192317-G-A. GRCh37 (hg19) VCF-style: chr3-184910105-G-A.
Other names: c.1793C>T, p.Pro598Leu (NM_001166415.2); short protein forms P598L, P694L.
Identifiers: ClinVar variation 2601497 (VCV002601497.5), dbSNP rs375620569, ClinGen allele CA2738857.

ClinVar aggregate classification (germline): Uncertain significance. Review status: criteria provided, multiple submitters, no conflicts (2 of 4 stars). 2 submissions from 2 submitters: Uncertain significance (2). Last evaluated 2025-10-15.

Conditions:
EHHADH-related disorder. Also called: EHHADH-related condition.

Allele frequency attached by ClinVar (database versions not stated): gnomAD 0.00003; gnomAD exomes 0.00005; TOPMed 0.00005; ExAC 0.00006; ESP Exome Variant Server 0.00015.
gnomAD v4.1: 72 of 1,614,006 alleles (0.0045%); highest among the groups gnomAD compares: Non-Finnish European, 0.0058%; no homozygotes.

Submissions (2):

PreventionGenetics, part of Exact Sciences
Classification: Uncertain significance for EHHADH-related condition. Last evaluated: 2025-10-15. Review status: criteria provided, single submitter. Criteria: ACMG Guidelines, 2015. Collection method: clinical testing. Allele origin: germline.
Comment: The EHHADH c.2081C>T variant is predicted to result in the amino acid substitution p.Pro694Leu. This variant has been reported along with another PKD1 variant, p.Thr938Met (phase unknown) in an individual with polycystic kidney disease (Zacchia et al. 2021. PubMed ID: 33964006). This variant is reported in 0.0078% of alleles in individuals of European (non-Finnish) descent in gnomAD. At this time, the clinical significance of this variant is uncertain due to the absence of conclusive functional and genetic evidence.

Ambry Genetics
Classification: Uncertain significance. Last evaluated: 2025-09-05. Review status: criteria provided, single submitter. Criteria: Ambry Variant Classification Scheme 2023. Collection method: clinical testing. Allele origin: germline.